The following is an entry in ClinVar:

NM_004260.4(RECQL4):c.1193C>T (p.Thr398Ile)

Gene: RECQL4 (RecQ like helicase 4; minus strand). Cytogenetic location: 8q24.3.
Variant type: single nucleotide variant.
Coding change: c.1193C>T on transcript NM_004260.4 (MANE Select); coding-DNA position 1193, C replaced by T.
Protein change: p.Thr398Ile; replaces threonine 398 with isoleucine.
Molecular consequence: missense variant.
Genome position (GRCh38, 1-based): chr8:144,515,829, G>A on the plus strand (C>T on the coding strand, the complement: RECQL4 is on the minus strand). VCF-style: chr8-144515829-G-A. GRCh37 (hg19) VCF-style: chr8-145741213-G-A.
Other names: c.1193C>T (NM_004260.3); short protein forms T398I.
Identifiers: ClinVar variation 1371251 (VCV001371251.7), dbSNP rs1434143797, ClinGen allele CA372687589.

ClinVar aggregate classification (germline): Uncertain significance. Review status: criteria provided, multiple submitters, no conflicts (2 of 4 stars). 2 submissions from 2 submitters: Uncertain significance (2). Last evaluated 2026-02-13.

Conditions:
Inborn genetic diseases. Identifiers: MedGen C0950123, MeSH D030342.
Baller-Gerold syndrome (BGS). Also called: CRANIOSYNOSTOSIS WITH RADIAL DEFECTS. Identifiers: Orphanet 1225, MedGen C0265308, MONDO:0009039, OMIM 218600.

Submissions (2):

Ambry Genetics
Classification: Uncertain significance for Inborn genetic diseases. Last evaluated: 2026-02-13. Review status: criteria provided, single submitter. Criteria: Ambry Variant Classification Scheme 2023. Collection method: clinical testing. Allele origin: germline.
Comment: The p.T398I variant (also known as c.1193C>T), located in coding exon 6 of the RECQL4 gene, results from a C to T substitution at nucleotide position 1193. The threonine at codon 398 is replaced by isoleucine, an amino acid with similar properties. This amino acid position is conserved. In addition, this alteration is predicted to be tolerated by in silico analysis. Based on the available evidence, the clinical significance of this variant remains unclear.

Labcorp Genetics (formerly Invitae), Labcorp
Classification: Uncertain significance for Baller-Gerold syndrome. Last evaluated: 2024-09-12. Review status: criteria provided, single submitter. Criteria: Invitae Variant Classification Sherloc (09022015). Collection method: clinical testing. Allele origin: germline.
Comment: This sequence change replaces threonine, which is neutral and polar, with isoleucine, which is neutral and non-polar, at codon 398 of the RECQL4 protein (p.Thr398Ile). This variant is not present in population databases (gnomAD no frequency). This variant has not been reported in the literature in individuals affected with RECQL4-related conditions. ClinVar contains an entry for this variant (Variation ID: 1371251). Invitae Evidence Modeling of protein sequence and biophysical properties (such as structural, functional, and spatial information, amino acid conservation, physicochemical variation, residue mobility, and thermodynamic stability) indicates that this missense variant is not expected to disrupt RECQL4 protein function with a negative predictive value of 80%. In summary, the available evidence is currently insufficient to determine the role of this variant in disease. Therefore, it has been classified as a Variant of Uncertain Significance.